The following is an entry in ClinVar:

NM_001625.4(AK2):c.199A>G (p.Thr67Ala)

Gene: AK2 (adenylate kinase 2; minus strand). Cytogenetic location: 1p35.1.
Variant type: single nucleotide variant.
Coding change: c.199A>G on transcript NM_001625.4 (MANE Select); coding-DNA position 199, A replaced by G.
Protein change: p.Thr67Ala; replaces threonine 67 with alanine.
Molecular consequence: missense variant. On other transcripts: non-coding transcript variant (1), intron variant (1).
Genome position (GRCh38, 1-based): chr1:33,024,462, T>C on the plus strand (A>G on the coding strand, the complement: AK2 is on the minus strand). VCF-style: chr1-33024462-T-C. GRCh37 (hg19) VCF-style: chr1-33490063-T-C.
Other names: c.199A>G, p.Thr67Ala (NM_001199199.3, NM_001319141.3, NM_001319143.2 and 1 more transcripts); c.55A>G, p.Thr19Ala (NM_001319139.3, NM_001319140.2); c.94-2759A>G (NM_001319142.3); short protein forms T67A, T19A.
Identifiers: ClinVar variation 529734 (VCV000529734.7), dbSNP rs771799826, ClinGen allele CA747233.

ClinVar aggregate classification (germline): Uncertain significance (1 of 4 stars; one submission).

Conditions:
Reticular dysgenesis. Also called: ALEUKOCYTOSIS; CONGENITAL ALEUKIA; HEMATOPOIETIC HYPOPLASIA, GENERALIZED; RETICULAR DYSGENESIA; SEVERE COMBINED IMMUNODEFICIENCY WITH LEUKOPENIA; DeVaal disease. Identifiers: Orphanet 33355, MedGen C0272167, MONDO:0009973, OMIM 267500.

Allele frequency attached by ClinVar (database versions not stated): gnomAD 0.00001; gnomAD exomes 0.00001 and below 0.00001; TOPMed below 0.00001; ExAC 0.00002.
gnomAD v4.1: 6 of 1,614,078 alleles (0.00037%); highest among the groups gnomAD compares: Admixed American, 0.005%; 1 homozygote.

Submission:

Labcorp Genetics (formerly Invitae), Labcorp
Classification: Uncertain significance for Reticular dysgenesis. Last evaluated: 2022-05-19. Review status: criteria provided, single submitter. Criteria: Invitae Variant Classification Sherloc (09022015). Collection method: clinical testing. Allele origin: germline.
Comment: In summary, the available evidence is currently insufficient to determine the role of this variant in disease. Therefore, it has been classified as a Variant of Uncertain Significance. Algorithms developed to predict the effect of missense changes on protein structure and function (SIFT, PolyPhen-2, Align-GVGD) all suggest that this variant is likely to be tolerated. ClinVar contains an entry for this variant (Variation ID: 529734). This variant has not been reported in the literature in individuals affected with AK2-related conditions. This variant is present in population databases (rs771799826, gnomAD 0.01%), including at least one homozygous and/or hemizygous individual. This sequence change replaces threonine, which is neutral and polar, with alanine, which is neutral and non-polar, at codon 67 of the AK2 protein (p.Thr67Ala).